The following is an entry in ClinVar:

ClinVar aggregate classification (germline): Uncertain significance (1 of 4 stars; one submission).

Conditions:
Landau-Kleffner syndrome (FESD). Also called: EPILEPSY, FOCAL, WITH SPEECH DISORDER AND WITH OR WITHOUT MENTAL RETARDATION; APHASIA, ACQUIRED, WITH EPILEPSY. Identifiers: Orphanet 1945, Orphanet 725, Orphanet 98818, MedGen C0282512, MONDO:0009509, OMIM 245570.

Allele frequency attached by ClinVar (database versions not stated): gnomAD exomes below 0.00001.
gnomAD v4.1: 1 of 1,609,856 alleles (0.000062%); highest among the groups gnomAD compares: Non-Finnish European, 0.000085%; no homozygotes.

Submission:

Labcorp Genetics (formerly Invitae), Labcorp
Classification: Uncertain significance for Landau-Kleffner syndrome. Last evaluated: 2023-07-10. Review status: criteria provided, single submitter. Criteria: Invitae Variant Classification Sherloc (09022015). Collection method: clinical testing. Allele origin: germline.
Comment: ClinVar contains an entry for this variant (Variation ID: 1721002). In summary, the available evidence is currently insufficient to determine the role of this variant in disease. Therefore, it has been classified as a Variant of Uncertain Significance. Advanced modeling of protein sequence and biophysical properties (such as structural, functional, and spatial information, amino acid conservation, physicochemical variation, residue mobility, and thermodynamic stability) has been performed at Invitae for this missense variant, however the output from this modeling did not meet the statistical confidence thresholds required to predict the impact of this variant on GRIN2A protein function. This missense change has been observed in at least one individual who was not affected with GRIN2A-related conditions (Invitae). This variant has not been reported in the literature in individuals affected with GRIN2A-related conditions. This variant is not present in population databases (gnomAD no frequency). This sequence change replaces glutamine, which is neutral and polar, with histidine, which is basic and polar, at codon 152 of the GRIN2A protein (p.Gln152His).

NM_001134407.3(GRIN2A):c.456G>T (p.Gln152His)

Gene: GRIN2A (glutamate ionotropic receptor NMDA type subunit 2A; minus strand). Cytogenetic location: 16p13.2.
Variant type: single nucleotide variant.
Coding change: c.456G>T on transcript NM_001134407.3 (MANE Select); coding-DNA position 456, G replaced by T.
Protein change: p.Gln152His; replaces glutamine 152 with histidine.
Molecular consequence: missense variant.
Genome position (GRCh38, 1-based): chr16:9,938,510, C>A on the plus strand (G>T on the coding strand, the complement: GRIN2A is on the minus strand). VCF-style: chr16-9938510-C-A. GRCh37 (hg19) VCF-style: chr16-10032367-C-A.
Other names: c.456G>T, p.Gln152His (NM_000833.5, NM_001134408.2); short protein forms Q152H.
Identifiers: ClinVar variation 1721002 (VCV001721002.6), dbSNP rs1389421362, ClinGen allele CA394799486.